The following is an entry in ClinVar:

NM_001318525.2(TRAPPC2L):c.111C>T (p.Asp37=)

Gene: TRAPPC2L (trafficking protein particle complex subunit 2L; plus strand). Cytogenetic location: 16q24.3.
Variant type: single nucleotide variant.
Coding change: c.111C>T on transcript NM_001318525.2 (MANE Select); coding-DNA position 111, C replaced by T.
Protein change: p.Asp37=; no amino-acid change (aspartic acid 37 retained).
Molecular consequence: synonymous variant. On other transcripts: 5 prime UTR variant (4), non-coding transcript variant (2).
Genome position (GRCh38, 1-based): chr16:88,858,696, C>T. VCF-style: chr16-88858696-C-T. GRCh37 (hg19) VCF-style: chr16-88925104-C-T.
Other names: c.111C>T, p.Asp37= (NM_001318524.2, NM_016209.5); c.-8C>T (NM_001318526.2); c.-299C>T (NM_001318527.2, NM_001318529.2, NM_001318532.2); c.21C>T, p.Asp7= (NM_001318528.2, NM_001318530.2).
Identifiers: ClinVar variation 3040795 (VCV003040795.2), dbSNP rs138888513, ClinGen allele CA8235541.

ClinVar aggregate classification (germline): Likely benign (0 of 4 stars; one submission).

Conditions:
TRAPPC2L-related disorder. Also called: TRAPPC2L-related condition.

Allele frequency attached by ClinVar (database versions not stated): ExAC 0.00010; gnomAD 0.00036; TOPMed 0.00040; ESP Exome Variant Server 0.00046; 1000 Genomes Project 0.00060; 1000 Genomes Project 30x 0.00062.
gnomAD v4.1: 145 of 1,613,578 alleles (0.009%); highest among the groups gnomAD compares: African/African-American, 0.13%; no homozygotes.

Submission:

PreventionGenetics, part of Exact Sciences
Classification: Likely benign for TRAPPC2L-related condition. Last evaluated: 2019-10-28. Review status: no assertion criteria provided. Collection method: clinical testing. Allele origin: germline.
Comment: This variant is classified as likely benign based on ACMG/AMP sequence variant interpretation guidelines (Richards et al. 2015 PMID: 25741868, with internal and published modifications).